The following is an entry in ClinVar:

NM_006258.4(PRKG1):c.1002C>A (p.Asp334Glu)

Gene: PRKG1 (protein kinase cGMP-dependent 1; plus strand). Cytogenetic location: 10q21.1.
Variant type: single nucleotide variant.
Coding change: c.1002C>A on transcript NM_006258.4 (MANE Select); coding-DNA position 1002, C replaced by A.
Protein change: p.Asp334Glu; replaces aspartic acid 334 with glutamic acid.
Molecular consequence: missense variant. On other transcripts: 5 prime UTR variant (1).
Genome position (GRCh38, 1-based): chr10:52,161,889, C>A. VCF-style: chr10-52161889-C-A. GRCh37 (hg19) VCF-style: chr10-53921649-C-A.
Other names: c.957C>A, p.Asp319Glu (NM_001098512.3); c.-208C>A (NM_001374781.1); short protein forms D319E, D334E.
Identifiers: ClinVar variation 4769480 (VCV004769480.1).

ClinVar aggregate classification (germline): Uncertain significance (1 of 4 stars; one submission).

Conditions:
Aortic aneurysm, familial thoracic 8 (AAT8). Identifiers: MedGen C3809513, MONDO:0014187, OMIM 615436.

Submission:

Labcorp Genetics (formerly Invitae), Labcorp
Classification: Uncertain significance for Aortic aneurysm, familial thoracic 8. Last evaluated: 2025-12-03. Review status: criteria provided, single submitter. Criteria: Invitae Variant Classification Sherloc (09022015). Collection method: clinical testing. Allele origin: germline.
Comment: This sequence change replaces aspartic acid, which is acidic and polar, with glutamic acid, which is acidic and polar, at codon 334 of the PRKG1 protein (p.Asp334Glu). This variant is not present in population databases (gnomAD no frequency). This variant has not been reported in the literature in individuals affected with PRKG1-related conditions. An algorithm developed to predict the effect of missense changes on protein structure and function (PolyPhen-2) suggests that this variant is likely to be tolerated. In summary, the available evidence is currently insufficient to determine the role of this variant in disease. Therefore, it has been classified as a Variant of Uncertain Significance.